The following is an entry in ClinVar:

ClinVar aggregate classification (germline): Uncertain significance (1 of 4 stars; one submission).

Allele frequency attached by ClinVar (database versions not stated): gnomAD exomes below 0.00001.
gnomAD v4.1: 1 of 1,614,180 alleles (0.000062%); highest among the groups gnomAD compares: Non-Finnish European, 0.000085%; no homozygotes.

Submission:

Labcorp Genetics (formerly Invitae), Labcorp
Classification: Uncertain significance. Last evaluated: 2022-10-04. Review status: criteria provided, single submitter. Criteria: Invitae Variant Classification Sherloc (09022015). Collection method: clinical testing. Allele origin: germline.
Comment: In summary, the available evidence is currently insufficient to determine the role of this variant in disease. Therefore, it has been classified as a Variant of Uncertain Significance. Algorithms developed to predict the effect of missense changes on protein structure and function are either unavailable or do not agree on the potential impact of this missense change (SIFT: "Not Available"; PolyPhen-2: "Benign"; Align-GVGD: "Not Available"). ClinVar contains an entry for this variant (Variation ID: 1395060). This variant has not been reported in the literature in individuals affected with LCT-related conditions. This variant is not present in population databases (gnomAD no frequency). This sequence change replaces lysine, which is basic and polar, with asparagine, which is neutral and polar, at codon 1904 of the LCT protein (p.Lys1904Asn).

NM_002299.4(LCT):c.5712G>C (p.Lys1904Asn)

Gene: LCT (lactase; minus strand). Cytogenetic location: 2q21.3.
Variant type: single nucleotide variant.
Coding change: c.5712G>C on transcript NM_002299.4 (MANE Select); coding-DNA position 5712, G replaced by C.
Protein change: p.Lys1904Asn; replaces lysine 1904 with asparagine.
Molecular consequence: missense variant.
Genome position (GRCh38, 1-based): chr2:135,788,396, C>G on the plus strand (G>C on the coding strand, the complement: LCT is on the minus strand). VCF-style: chr2-135788396-C-G. GRCh37 (hg19) VCF-style: chr2-136545966-C-G.
Other names: short protein forms K1904N.
Identifiers: ClinVar variation 1395060 (VCV001395060.9), dbSNP rs2105515408, ClinGen allele CA348583959.